The following is an entry in ClinVar:

NM_004260.4(RECQL4):c.3503-2A>T

Gene: RECQL4 (RecQ like helicase 4; minus strand). Cytogenetic location: 8q24.3.
Variant type: single nucleotide variant.
Coding change: c.3503-2A>T on transcript NM_004260.4 (MANE Select); the canonical splice acceptor site of the intron before coding-DNA position 3503, A replaced by T.
Molecular consequence: splice acceptor variant.
Genome position (GRCh38, 1-based): chr8:144,511,557, T>A on the plus strand (A>T on the coding strand, the complement: RECQL4 is on the minus strand). VCF-style: chr8-144511557-T-A. GRCh37 (hg19) VCF-style: chr8-145736940-T-A.
Other names: c.2402-2A>T (NM_001413042.1); c.2300-2A>T (NM_001413037.1); c.2234-2A>T (NM_001413038.1, NM_001413031.1); c.2432-2A>T (NM_001413022.1, NM_001413035.1, NM_001413040.1 and 4 more transcripts); c.2507-2A>T (NM_001413023.1); c.3374-2A>T (NM_001413025.1); c.3152-2A>T (NM_001413029.1); c.2366-2A>T (NM_001413032.1, NM_001413027.1, NM_001413030.1); and 9 more.
Identifiers: ClinVar variation 972506 (VCV000972506.7), dbSNP rs1371218064, ClinGen allele CA372666291.
Genomic context (GRCh38, chr8:144,511,557, plus strand): 5'-GTATTTTCTCCAGAAGCGTCGGTCCTGCCCGTACACCTGGGCCGGGTAGCAGGGGCTTCC[T>A]ACGGTGGAGCCAAGACACAGCCGTGAGCCCCAGCCCCAGCCTGCAGCGGGTGGAGCCTCC-3'

ClinVar aggregate classification (germline): Uncertain significance (1 of 4 stars; one submission).

Conditions:
Baller-Gerold syndrome (BGS). Also called: CRANIOSYNOSTOSIS WITH RADIAL DEFECTS. Identifiers: Orphanet 1225, MedGen C0265308, MONDO:0009039, OMIM 218600.

Allele frequency attached by ClinVar (database versions not stated): gnomAD exomes below 0.00001.
gnomAD v4.1: 2 of 1,611,954 alleles (0.00012%); highest among the groups gnomAD compares: Non-Finnish European, 0.00017%; no homozygotes.

Submission:

Labcorp Genetics (formerly Invitae), Labcorp
Classification: Uncertain significance for Baller-Gerold syndrome. Last evaluated: 2023-06-09. Review status: criteria provided, single submitter. Criteria: Invitae Variant Classification Sherloc (09022015). Collection method: clinical testing. Allele origin: germline.
Comment: This variant has not been reported in the literature in individuals affected with RECQL4-related conditions. In summary, the available evidence is currently insufficient to determine the role of this variant in disease. Therefore, it has been classified as a Variant of Uncertain Significance. Variants that disrupt the consensus splice site are a relatively common cause of aberrant splicing (PMID: 17576681, 9536098). Algorithms developed to predict the effect of sequence changes on RNA splicing suggest that this variant may disrupt the consensus splice site. ClinVar contains an entry for this variant (Variation ID: 972506). This variant is not present in population databases (gnomAD no frequency). This sequence change affects an acceptor splice site in intron 20 of the RECQL4 gene. While this variant is not anticipated to result in nonsense mediated decay, it likely alters RNA splicing and results in a disrupted protein product.

Literature cited by the submitters: PubMed 17576681; PubMed 9536098.